The following is an entry in ClinVar:

NM_015046.7(SETX):c.662T>C (p.Leu221Pro)

Gene: SETX (senataxin; minus strand). Cytogenetic location: 9q34.13.
Variant type: single nucleotide variant.
Coding change: c.662T>C on transcript NM_015046.7 (MANE Select); coding-DNA position 662, T replaced by C.
Protein change: p.Leu221Pro; replaces leucine 221 with proline.
Molecular consequence: missense variant.
Genome position (GRCh38, 1-based): chr9:132,336,352, A>G on the plus strand (T>C on the coding strand, the complement: SETX is on the minus strand). VCF-style: chr9-132336352-A-G. GRCh37 (hg19) VCF-style: chr9-135211739-A-G.
Other names: c.662T>C, p.Leu221Pro (NM_001351527.2, NM_001351528.2); short protein forms L221P.
Identifiers: ClinVar variation 3391712 (VCV003391712.1).

ClinVar aggregate classification (germline): Uncertain significance (1 of 4 stars; one submission).

gnomAD v4.1: 1 of 1,614,122 alleles (0.000062%); highest among the groups gnomAD compares: Non-Finnish European, 0.000085%; no homozygotes.

Submission:

GeneDx
Classification: Uncertain significance. Last evaluated: 2024-06-20. Review status: criteria provided, single submitter. Criteria: GeneDx Variant Classification Process June 2021. Collection method: clinical testing. Allele origin: germline. Affected: yes.
Comment: Not observed at significant frequency in large population cohorts (gnomAD); In silico analysis supports that this missense variant has a deleterious effect on protein structure/function; Has not been previously published as pathogenic or benign to our knowledge